The following is an entry in ClinVar:

ClinVar aggregate classification (germline): Likely benign. Review status: criteria provided, single submitter (1 of 4 stars). 2 submissions from 2 submitters: Likely benign (1). 1 of the submissions does not count toward it. Last evaluated 2025-12-09.

Conditions:
Dihydropteridine reductase deficiency (HPABH4C). Also called: BH4-Deficient Hyperphenylalaninemia C; HYPERPHENYLALANINEMIA, TETRAHYDROBIOPTERIN-DEFICIENT, DUE TO DHPR DEFICIENCY; QDPR DEFICIENCY; QUINOID DIHYDROPTERIDINE REDUCTASE DEFICIENCY; Phenylketonuria II; Hyperphenylalaninemia due to dihydropteridine reductase deficiency. Identifiers: Orphanet 226, Orphanet 238583, MedGen C0268465, MONDO:0009862, OMIM 261630.
QDPR-related disorder. Also called: QDPR-related condition.

Allele frequency attached by ClinVar (database versions not stated): 1000 Genomes Project 0.00020; 1000 Genomes Project 30x 0.00031.
gnomAD v4.1: 34 of 1,613,934 alleles (0.0021%); highest among the groups gnomAD compares: East Asian, 0.0089%; no homozygotes.

Submissions (2):

Labcorp Genetics (formerly Invitae), Labcorp
Classification: Likely benign for Dihydropteridine reductase deficiency. Last evaluated: 2025-12-09. Review status: criteria provided, single submitter. Criteria: Invitae Variant Classification Sherloc (09022015). Collection method: clinical testing. Allele origin: germline.

PreventionGenetics, part of Exact Sciences
Classification: Likely benign for QDPR-related condition. Last evaluated: 2019-03-28. Review status: no assertion criteria provided. Collection method: clinical testing. Allele origin: germline. Not counted in ClinVar's aggregate classification.
Comment: This variant is classified as likely benign based on ACMG/AMP sequence variant interpretation guidelines (Richards et al. 2015 PMID: 25741868, with internal and published modifications).

NM_000320.3(QDPR):c.516G>A (p.Pro172=)

Gene: QDPR (quinoid dihydropteridine reductase; minus strand). Cytogenetic location: 4p15.32.
Variant type: single nucleotide variant.
Coding change: c.516G>A on transcript NM_000320.3 (MANE Select); coding-DNA position 516, G replaced by A.
Protein change: p.Pro172=; no amino-acid change (proline 172 retained).
Molecular consequence: synonymous variant.
Genome position (GRCh38, 1-based): chr4:17,492,261, C>T on the plus strand (G>A on the coding strand, the complement: QDPR is on the minus strand). VCF-style: chr4-17492261-C-T. GRCh37 (hg19) VCF-style: chr4-17493884-C-T.
Other names: c.423G>A, p.Pro141= (NM_001306140.2); c.516G>A (NM_000320.2).
Identifiers: ClinVar variation 1542018 (VCV001542018.10), dbSNP rs549416247, ClinGen allele CA2868084.
Genomic context (GRCh38, chr4:17,492,261, plus strand): 5'-GGGCAGCAGCCAGGGAACCCCAAGCACTTACGGGAGCACAGCGATGGCGGCTGCCCCGGG[C>T]GGCATGCCGCTGTTCTTCCCAGCCAGGCTCTGGCAGAGCTGGTGAACAGCACCCTTGGCC-3'
Protein context (NP_000311.2, residues 162-182): QSLAGKNSGM[Pro172=]PGAAAIAVLP